The following is an entry in ClinVar:

ClinVar aggregate classification (germline): Pathogenic (1 of 4 stars; one submission).

Submission:

Labcorp Genetics (formerly Invitae), Labcorp
Classification: Pathogenic. Last evaluated: 2024-09-03. Review status: criteria provided, single submitter. Criteria: Invitae Variant Classification Sherloc (09022015). Collection method: clinical testing. Allele origin: germline.
Comment: This sequence change creates a premature translational stop signal (p.Leu959Phefs*30) in the KIF11 gene. It is expected to result in an absent or disrupted protein product. Loss-of-function variants in KIF11 are known to be pathogenic (PMID: 22284827, 24281367). This variant is not present in population databases (gnomAD no frequency). This variant has not been reported in the literature in individuals affected with KIF11-related conditions. For these reasons, this variant has been classified as Pathogenic.

Literature cited by the submitters: PubMed 22284827; PubMed 24281367.

NM_004523.4(KIF11):c.2876dup (p.Leu959fs)

Gene: KIF11 (kinesin family member 11; plus strand). Cytogenetic location: 10q23.33.
Variant type: Duplication.
Coding change: c.2876dup on transcript NM_004523.4 (MANE Select); coding-DNA position 2876, one base duplicated (T; older notation c.2876dupT).
Protein change: p.Leu959fs; shifts the reading frame from leucine 959.
Molecular consequence: frameshift variant.
Genome position (GRCh38, 1-based): chr10:92,649,940, T duplicated; the last of 2 consecutive T bases (chr10:92,649,939-92,649,940); duplicating either gives the same sequence. VCF-style (leftmost placement, unchanged base first): chr10-92649938-G-GT. GRCh37 (hg19) VCF-style: chr10-94409695-G-GT.
Other names: short protein forms L959fs.
Identifiers: ClinVar variation 3664381 (VCV003664381.2).
Genomic context (GRCh38, chr10:92,649,938, plus strand): 5'-GGTAAGAACTGAACCACGTGAACATCTCCTTGATCAGCTGAAAAGGAAACAGCCTGAGCT[G>GT]TTAATGATGCTAAACTGTTCAGAAAACAACAAAGAAGAGACAATTCCGGTAAATTTAAAG-3'